The following is an entry in ClinVar:

NM_006182.4(DDR2):c.1474C>T (p.Pro492Ser)

Gene: DDR2 (discoidin domain receptor tyrosine kinase 2; plus strand). Cytogenetic location: 1q23.3.
Variant type: single nucleotide variant.
Coding change: c.1474C>T on transcript NM_006182.4 (MANE Select); coding-DNA position 1474, C replaced by T.
Protein change: p.Pro492Ser; replaces proline 492 with serine.
Molecular consequence: missense variant.
Genome position (GRCh38, 1-based): chr1:162,770,482, C>T. VCF-style: chr1-162770482-C-T. GRCh37 (hg19) VCF-style: chr1-162740272-C-T.
Other names: c.1474C>T, p.Pro492Ser (NM_001014796.3, NM_001354982.2, NM_001354983.2); short protein forms P492S.
Identifiers: ClinVar variation 1509066 (VCV001509066.27), dbSNP rs757051385, ClinGen allele CA1217528.

ClinVar aggregate classification (germline): Conflicting classifications of pathogenicity. Review status: criteria provided, conflicting classifications (1 of 4 stars). 2 submissions from 2 submitters: Uncertain significance (1); Likely benign (1). Last evaluated 2025-12-20.

Allele frequency attached by ClinVar (database versions not stated): gnomAD 0.00007 and 0.00008; TOPMed 0.00008.
gnomAD v4.1: 121 of 1,613,962 alleles (0.0075%); highest among the groups gnomAD compares: Middle Eastern, 0.016%; no homozygotes.

Submissions (2):

Labcorp Genetics (formerly Invitae), Labcorp
Classification: Uncertain significance. Last evaluated: 2025-12-20. Review status: criteria provided, single submitter. Criteria: Invitae Variant Classification Sherloc (09022015). Collection method: clinical testing. Allele origin: germline.
Comment: This sequence change replaces proline, which is neutral and non-polar, with serine, which is neutral and polar, at codon 492 of the DDR2 protein (p.Pro492Ser). This variant is present in population databases (rs757051385, gnomAD 0.02%), including at least one homozygous and/or hemizygous individual. This variant has not been reported in the literature in individuals affected with DDR2-related conditions. ClinVar contains an entry for this variant (Variation ID: 1509066). An algorithm developed to predict the effect of missense changes on protein structure and function (PolyPhen-2) suggests that this variant is likely to be disruptive. In summary, the available evidence is currently insufficient to determine the role of this variant in disease. Therefore, it has been classified as a Variant of Uncertain Significance.

CeGaT Center for Human Genetics Tuebingen
Classification: Likely benign. Last evaluated: 2023-08-01. Review status: criteria provided, single submitter. Criteria: CeGaT Center For Human Genetics Tuebingen Variant Classification Criteria Version 2. Collection method: clinical testing. Allele origin: germline. Affected: yes. Observed: 1 variant allele.
Comment: DDR2: BS2